The following is an entry in ClinVar:

NC_000022.10:g.(?_32164780)_(32164869_?)del

Gene: DEPDC5 (DEP domain containing 5, GATOR1 subcomplex subunit; plus strand). Cytogenetic location: 22q12.2.
Variant type: Deletion.
Identifiers: ClinVar variation 1459212 (VCV001459212.4).

ClinVar aggregate classification (germline): Pathogenic (1 of 4 stars; one submission).

Conditions:
Familial focal epilepsy with variable foci (FPEVF). Identifiers: Orphanet 98820, MedGen C1858477, MONDO:0020310.

Submission:

Labcorp Genetics (formerly Invitae), Labcorp
Classification: Pathogenic for Familial focal epilepsy with variable foci. Last evaluated: 2023-08-17. Review status: criteria provided, single submitter. Criteria: Invitae Variant Classification Sherloc (09022015). Collection method: clinical testing. Allele origin: germline.
Comment: For these reasons, this variant has been classified as Pathogenic. This variant has not been reported in the literature in individuals affected with DEPDC5-related conditions. This variant is a gross deletion of the genomic region encompassing exon(s) 7 of the DEPDC5 gene. This deletion is out-of-frame, and is expected to create a premature termination codon and result in an absent or disrupted protein product. Loss-of-function variants in DEPDC5 are known to be pathogenic (PMID: 23542697, 23542701).

Literature cited by the submitters: PubMed 23542697; PubMed 23542701.